The following is an entry in ClinVar:

ClinVar aggregate classification (germline): Conflicting classifications of pathogenicity. Review status: criteria provided, conflicting classifications (1 of 4 stars). 12 submissions from 8 submitters: Uncertain significance (3); Benign (6); Likely benign (1). 2 of the submissions do not count toward it. Last evaluated 2024-11-22.

Conditions:
Early-onset myopathy with fatal cardiomyopathy (CMYO5). Also called: Salih Myopathy; CONGENITAL MYOPATHY 5 WITH CARDIOMYOPATHY. Identifiers: Orphanet 289377, MedGen C2673677, MONDO:0012714, OMIM 611705. Disease mechanism: loss of function.
Autosomal recessive limb-girdle muscular dystrophy type 2J (LGMDR10). Also called: Limb-girdle muscular dystrophy, type 2J; MUSCULAR DYSTROPHY, LIMB-GIRDLE, AUTOSOMAL RECESSIVE 10. Identifiers: Orphanet 140922, MedGen C1837342, MONDO:0012127, OMIM 608807.
Tibial muscular dystrophy (TMD). Also called: Tibial muscular dystrophy, tardive; UDD MYOPATHY; Udd Distal Myopathy – Tibial Muscular Dystrophy. Identifiers: Orphanet 609, MedGen C1838244, MONDO:0010870, OMIM 600334.
Dilated cardiomyopathy 1G (CMD1G). Identifiers: Orphanet 154, MedGen C1858763, MONDO:0011400, OMIM 604145.
Myopathy, myofibrillar, 9, with early respiratory failure (MFM9). Also called: Hereditary myopathy with early respiratory failure; Myopathy, distal, with early respiratory failure, autosomal dominant; EDSTROM MYOPATHY; MYOPATHY, PROXIMAL, WITH EARLY RESPIRATORY MUSCLE INVOLVEMENT. Identifiers: Orphanet 178464, Orphanet 34521, MedGen C1863599, MONDO:0011362, OMIM 603689.

Allele frequency attached by ClinVar (database versions not stated): ESP Exome Variant Server 0.00025; TOPMed 0.00026; 1000 Genomes Project 30x 0.00078; 1000 Genomes Project 0.00100; ExAC 0.00289; gnomAD 0.00446.
gnomAD v4.1: 2,266 of 1,604,794 alleles (0.14%); highest among the groups gnomAD compares: Non-Finnish European, 0.043%; 35 homozygotes.

Submissions (12):

Blueprint Genetics
Classification: Likely benign. Last evaluated: 2024-11-22. Review status: criteria provided, single submitter. Criteria: ACMG Guidelines, 2015. Collection method: clinical testing. Allele origin: germline.

Mayo Clinic Laboratories, Mayo Clinic
Classification: Benign. Last evaluated: 2022-01-03. Review status: criteria provided, single submitter. Criteria: ACMG Guidelines, 2015. Collection method: clinical testing. Allele origin: germline. Observed: 3 variant alleles.
Comment: BS1, BS2

Athena Diagnostics
Classification: Benign. Last evaluated: 2020-03-17. Review status: criteria provided, single submitter. Criteria: Athena Diagnostics Criteria. Collection method: clinical testing. Allele origin: unknown.

Laboratory for Molecular Medicine, Mass General Brigham Personalized Medicine
Classification: Benign. Last evaluated: 2019-06-11. Review status: criteria provided, single submitter. Criteria: LMM Criteria. Collection method: clinical testing. Allele origin: germline. Observed: 1 variant allele.
Comment: The c.*6C>A variant in TTN is classified as benign because it has been identified in 2.8% (687/24394) of Finnish chromosomes, including 14 homozygous individuals, by gnomAD. ACMG/AMP Criteria applied: BA1.

Illumina Laboratory Services, Illumina
Classification: Benign for Tibial muscular dystrophy. Last evaluated: 2018-01-13. Review status: criteria provided, single submitter. Criteria: ICSL Variant Classification Criteria 13 December 2019. Collection method: clinical testing. Allele origin: germline.
Comment: This variant was observed in the ICSL laboratory as part of a predisposition screen in an ostensibly healthy population. It had not been previously curated by ICSL or reported in the Human Gene Mutation Database (HGMD: prior to June 1st, 2018), and was therefore a candidate for classification through an automated scoring system. Utilizing variant allele frequency, disease prevalence and penetrance estimates, and inheritance mode, an automated score was calculated to assess if this variant is too frequent to cause the disease. Based on the score and internal cut-off values, a variant classified as benign is not then subjected to further curation. The score for this variant resulted in a classification of benign for this disease.

Illumina Laboratory Services, Illumina
Classification: Uncertain significance for Autosomal recessive limb-girdle muscular dystrophy type 2J. Last evaluated: 2018-01-13. Review status: criteria provided, single submitter. Criteria: ICSL Variant Classification Criteria 13 December 2019. Collection method: clinical testing. Allele origin: germline.

Illumina Laboratory Services, Illumina
Classification: Uncertain significance for Dilated cardiomyopathy 1G. Last evaluated: 2018-01-13. Review status: criteria provided, single submitter. Criteria: ICSL Variant Classification Criteria 13 December 2019. Collection method: clinical testing. Allele origin: germline.

Illumina Laboratory Services, Illumina
Classification: Benign for Myopathy, myofibrillar, 9, with early respiratory failure. Last evaluated: 2018-01-13. Review status: criteria provided, single submitter. Criteria: ICSL Variant Classification Criteria 13 December 2019. Collection method: clinical testing. Allele origin: germline.
Comment: the same text as in the submission from Illumina Laboratory Services, Illumina above.

Illumina Laboratory Services, Illumina
Classification: Uncertain significance for Early-onset myopathy with fatal cardiomyopathy. Last evaluated: 2018-01-13. Review status: criteria provided, single submitter. Criteria: ICSL Variant Classification Criteria 13 December 2019. Collection method: clinical testing. Allele origin: germline.

GeneDx
Classification: Benign. Last evaluated: 2015-07-07. Review status: criteria provided, single submitter. Criteria: GeneDx Variant Classification (06012015). Collection method: clinical testing. Allele origin: germline. Affected: yes.
Comment: This variant is considered likely benign or benign based on one or more of the following criteria: it is a conservative change, it occurs at a poorly conserved position in the protein, it is predicted to be benign by multiple in silico algorithms, and/or has population frequency not consistent with disease.

Clinical Genetics, Academic Medical Center
Classification: Benign. Review status: no assertion criteria provided. Collection method: clinical testing. Allele origin: germline. Affected: yes. Study: VKGL Data-share Consensus. Not counted in ClinVar's aggregate classification.

Diagnostic Laboratory, Department of Genetics, University Medical Center Groningen
Classification: Likely benign. Review status: no assertion criteria provided. Collection method: clinical testing. Allele origin: germline. Affected: yes. Study: VKGL Data-share Consensus. Not counted in ClinVar's aggregate classification.

NM_001267550.2(TTN):c.*6C>A

Genes: TTN (titin; minus strand), TTN-AS1 (TTN antisense RNA 1; plus strand). Cytogenetic location: 2q31.2.
Variant type: single nucleotide variant.
Coding change: c.*6C>A on transcript NM_001267550.2 (MANE Select); 6 bases downstream of the stop codon, C replaced by A.
Molecular consequence: 3 prime UTR variant.
Genome position (GRCh38, 1-based): chr2:178,527,006, G>T on the plus strand (C>A on the coding strand, the complement: TTN is on the minus strand). VCF-style: chr2-178527006-G-T. GRCh37 (hg19) VCF-style: chr2-179391733-G-T.
Other names: c.*6C>A (NM_001256850.1, NM_003319.4, NM_133432.3 and 2 more transcripts).
Identifiers: ClinVar variation 332677 (VCV000332677.15), dbSNP rs188728343, ClinGen allele CA1984851.